The following is an entry in ClinVar:

ClinVar aggregate classification (germline): Uncertain significance (1 of 4 stars; one submission).

Submission:

Ambry Genetics
Classification: Uncertain significance. Last evaluated: 2023-02-04. Review status: criteria provided, single submitter. Criteria: Ambry Variant Classification Scheme 2023. Collection method: clinical testing. Allele origin: germline.
Comment: The p.Q585H variant (also known as c.1755G>T), located in coding exon 9 of the PALLD gene, results from a G to T substitution at nucleotide position 1755. The glutamine at codon 585 is replaced by histidine, an amino acid with highly similar properties. This amino acid position is conserved. In addition, this alteration is predicted to be tolerated by in silico analysis. Since supporting evidence is limited at this time, the clinical significance of this alteration remains unclear.

NM_001166108.2(PALLD):c.1755G>T (p.Gln585His)

Gene: PALLD (palladin, cytoskeletal associated protein; plus strand). Cytogenetic location: 4q32.3.
Variant type: single nucleotide variant.
Coding change: c.1755G>T on transcript NM_001166108.2 (MANE Select); coding-DNA position 1755, G replaced by T.
Protein change: p.Gln585His; replaces glutamine 585 with histidine.
Molecular consequence: missense variant.
Genome position (GRCh38, 1-based): chr4:168,711,714, G>T. VCF-style: chr4-168711714-G-T. GRCh37 (hg19) VCF-style: chr4-169632865-G-T.
Other names: c.609G>T, p.Gln203His (NM_001166109.2); c.1755G>T, p.Gln585His (NM_016081.4); short protein forms Q203H, Q585H.
Identifiers: ClinVar variation 2448488 (VCV002448488.2), dbSNP rs2531855700, ClinGen allele CA358798145.
Genomic context (GRCh38, chr4:168,711,714, plus strand): 5'-CCCTCCAATCTTGGAGACAAGTTCCTTGGAGTTGGCTTCAAAGAAACCATCTGAGATCCA[G>T]CAGGTGAACAACCCTGAGTTAGGCCTGAGCAGGGCAGCCCTTCAAATGCAATTCAATGCT-3'
Protein context (NP_001159580.1, residues 575-595): ELASKKPSEI[Gln585His]QVNNPELGLS